The following is an entry in ClinVar:

ClinVar aggregate classification (germline): Uncertain significance. Review status: criteria provided, multiple submitters, no conflicts (2 of 4 stars). 2 submissions from 2 submitters: Uncertain significance (2). Last evaluated 2025-05-13.

Conditions:
PDX1-related disorder. Also called: PDX1-related condition; PDX1-related disorders.

Submissions (2):

Labcorp Genetics (formerly Invitae), Labcorp
Classification: Uncertain significance. Last evaluated: 2025-05-13. Review status: criteria provided, single submitter. Criteria: Invitae Variant Classification Sherloc (09022015). Collection method: clinical testing. Allele origin: germline.
Comment: This sequence change replaces arginine, which is basic and polar, with glutamine, which is neutral and polar, at codon 176 of the PDX1 protein (p.Arg176Gln). This variant is not present in population databases (gnomAD no frequency). This missense change has been observed in individuals with autosomal recessive neonatal diabetes mellitus (PMID: 23320570, 37417678). ClinVar contains an entry for this variant (Variation ID: 2636851). Invitae Evidence Modeling of protein sequence and biophysical properties (such as structural, functional, and spatial information, amino acid conservation, physicochemical variation, residue mobility, and thermodynamic stability) indicates that this missense variant is expected to disrupt PDX1 protein function with a positive predictive value of 80%. In summary, the available evidence is currently insufficient to determine the role of this variant in disease. Therefore, it has been classified as a Variant of Uncertain Significance.

PreventionGenetics, part of Exact Sciences
Classification: Uncertain significance for PDX1-related condition. Last evaluated: 2022-10-01. Review status: criteria provided, single submitter. Criteria: ACMG Guidelines, 2015. Collection method: clinical testing. Allele origin: germline.
Comment: The PDX1 c.527G>A variant is predicted to result in the amino acid substitution p.Arg176Gln. This variant was reported in the homozygous state in an individual with permanent neonatal diabetes (De Franco et al. 2013. PubMed ID: 23320570). This variant has not been reported in a large population database, indicating this variant is rare. At this time, the clinical significance of this variant is uncertain due to the absence of conclusive functional and genetic evidence.

Literature cited by the submitters: PubMed 23320570 (cited by Labcorp Genetics (formerly Invitae), Labcorp); PubMed 37417678 (cited by Labcorp Genetics (formerly Invitae), Labcorp).

NM_000209.4(PDX1):c.527G>A (p.Arg176Gln)

Gene: PDX1 (pancreatic and duodenal homeobox 1; plus strand). Cytogenetic location: 13q12.2.
Variant type: single nucleotide variant.
Coding change: c.527G>A on transcript NM_000209.4 (MANE Select); coding-DNA position 527, G replaced by A.
Protein change: p.Arg176Gln; replaces arginine 176 with glutamine.
Molecular consequence: missense variant.
Genome position (GRCh38, 1-based): chr13:27,924,376, G>A. VCF-style: chr13-27924376-G-A. GRCh37 (hg19) VCF-style: chr13-28498513-G-A.
Other names: short protein forms R176Q.
Identifiers: ClinVar variation 2636851 (VCV002636851.2), dbSNP rs2500206329, ClinGen allele CA387645569.